The following is an entry in ClinVar:

NM_000762.5(CYP2A6):c.-22817_-420del

Gene: LOC110673974 (CYP2A6 5' regulatory region; plus strand). Cytogenetic location: 19q13.2.
Variant type: Deletion.
Coding change: c.-22817_-420del on transcript NM_000762.5; 22817 bases upstream of the start codon through 420 bases upstream of the start codon, this stretch deleted.
Identifiers: ClinVar variation 157443 (VCV000157443.2).

ClinVar aggregate classification (germline): not provided. Review status: no classification provided (0 of 4 stars). 3 submissions from 1 submitter: not provided (3).

Conditions:
Preeclampsia. Identifiers: Orphanet 275555, MedGen C0032914, MONDO:0005081, HP:0100602.
Large for gestational age. Identifiers: MedGen C1848395, HP:0001520.
Gestational diabetes mellitus uncontrolled. Identifiers: MedGen C3532257.

Submissions (3):

Institute of Molecular and Cell Biology, University of Tartu
No classification provided. Condition: Preeclampsia. Review status: no classification provided. Collection method: case-control. Allele origin: unknown. Affected: yes. Study: Kasak2014.
Comment: The study aimed to determine the contribution of copy number variants in the genetic etiology of normal and complicated pregnancies. The samples represented (i) maternal blood DNA drawn from healthy pregnant women during 1st or 2nd trimester and (ii) maternal and paternal blood DNA drawn at term pregnancy cases representing normal and complicated gestations (severe preeclampsia, PE; gestational diabetes, GD; small-for-gestational age newborn, SGA; large-for-gestational age newborn, LGA). We performed CNV calling based on genome-wide genotyping dataset (Illumina HumanOmniExpress-24-v1 BeadChip) by applying three algorithms, QuantiSNP, GADA (Genome Alteration Detection Algorithm) and CNstream in parallel. The acquired CNV calls were merged with HD-CNV (Hotspot Detector for Copy Number Variants) program and only the CNVs predicted by at least two programs, were considered in subsequent analysis.

Institute of Molecular and Cell Biology, University of Tartu
No classification provided. Condition: Large for gestational age. Review status: no classification provided. Collection method: case-control. Allele origin: unknown. Affected: yes. Study: Kasak2014.
Comment: the same text as in the submission from Institute of Molecular and Cell Biology, University of Tartu above.

Institute of Molecular and Cell Biology, University of Tartu
No classification provided. Condition: Gestational diabetes mellitus uncontrolled. Review status: no classification provided. Collection method: case-control. Allele origin: unknown. Affected: yes. Study: Kasak2014.
Comment: the same text as in the submission from Institute of Molecular and Cell Biology, University of Tartu above.

Literature cited by the submitters: PubMed 25666259.